The following is an entry in ClinVar:

ClinVar aggregate classification (germline): Benign/Likely benign. Review status: criteria provided, multiple submitters, no conflicts (2 of 4 stars). 6 submissions from 6 submitters: Benign (2); Likely benign (3). 1 of the submissions does not count toward it. Last evaluated 2026-01-05.

Conditions:
Inborn genetic diseases. Identifiers: MedGen C0950123, MeSH D030342.
CACNA1E-related disorder. Also called: CACNA1E-related condition.
Developmental and epileptic encephalopathy, 69. Also called: EPILEPTIC ENCEPHALOPATHY, EARLY INFANTILE, 69. Identifiers: MedGen C4748988, MONDO:0032657, OMIM 618285.

Allele frequency attached by ClinVar (database versions not stated): 1000 Genomes Project 30x 0.00031; gnomAD exomes 0.00036 and 0.00052; ExAC 0.00038; 1000 Genomes Project 0.00040; TOPMed 0.00042; gnomAD 0.00046 and 0.00048; ESP Exome Variant Server 0.00056.
gnomAD v4.1: 795 of 1,577,098 alleles (0.05%); highest among the groups gnomAD compares: Admixed American, 0.06%; 2 homozygotes.

Submissions (6):

Labcorp Genetics (formerly Invitae), Labcorp
Classification: Benign. Last evaluated: 2026-01-05. Review status: criteria provided, single submitter. Criteria: Invitae Variant Classification Sherloc (09022015). Collection method: clinical testing. Allele origin: germline.

Blueprint Genetics
Classification: Likely benign. Last evaluated: 2024-09-11. Review status: criteria provided, single submitter. Criteria: ACMG Guidelines, 2015. Collection method: clinical testing. Allele origin: germline.

Genome-Nilou Lab
Classification: Likely benign for Developmental and epileptic encephalopathy, 69. Last evaluated: 2023-04-11. Review status: criteria provided, single submitter. Criteria: ACMG Guidelines, 2015. Collection method: clinical testing. Allele origin: germline. Affected: no.

Ambry Genetics
Classification: Likely benign for Inborn genetic diseases. Last evaluated: 2021-07-23. Review status: criteria provided, single submitter. Criteria: Ambry Variant Classification Scheme 2023. Collection method: clinical testing. Allele origin: germline.

GeneDx
Classification: Benign. Last evaluated: 2021-05-19. Review status: criteria provided, single submitter. Criteria: GeneDx Variant Classification Process June 2021. Collection method: clinical testing. Allele origin: germline. Affected: yes.

PreventionGenetics, part of Exact Sciences
Classification: Likely benign for CACNA1E-related condition. Last evaluated: 2022-02-10. Review status: no assertion criteria provided. Collection method: clinical testing. Allele origin: germline. Not counted in ClinVar's aggregate classification.
Comment: This variant is classified as likely benign based on ACMG/AMP sequence variant interpretation guidelines (Richards et al. 2015 PMID: 25741868, with internal and published modifications).

NM_001205293.3(CACNA1E):c.2681C>T (p.Pro894Leu)

Gene: CACNA1E (calcium voltage-gated channel subunit alpha1 E; plus strand). Cytogenetic location: 1q25.3.
Variant type: single nucleotide variant.
Coding change: c.2681C>T on transcript NM_001205293.3 (MANE Select); coding-DNA position 2681, C replaced by T.
Protein change: p.Pro894Leu; replaces proline 894 with leucine.
Molecular consequence: missense variant.
Genome position (GRCh38, 1-based): chr1:181,732,767, C>T. VCF-style: chr1-181732767-C-T. GRCh37 (hg19) VCF-style: chr1-181701903-C-T.
Other names: c.2681C>T, p.Pro894Leu (NM_000721.4); c.2624C>T, p.Pro875Leu (NM_001205294.2); c.2681C>T (NM_001205293.1); short protein forms P875L, P894L.
Identifiers: ClinVar variation 1283121 (VCV001283121.13), dbSNP rs200322209, ClinGen allele CA1275377.